The following is an entry in ClinVar:

ClinVar aggregate classification (germline): Uncertain significance (1 of 4 stars; one submission).

Submission:

GeneDx
Classification: Uncertain significance. Last evaluated: 2024-04-12. Review status: criteria provided, single submitter. Criteria: GeneDx Variant Classification Process June 2021. Collection method: clinical testing. Allele origin: germline. Affected: yes.
Comment: Not observed at significant frequency in large population cohorts (gnomAD); In silico analysis is inconclusive as to whether the variant alters gene splicing. In the absence of RNA/functional studies, the actual effect of this sequence change is unknown.; Has not been previously published as pathogenic or benign to our knowledge

NM_006618.5(KDM5B):c.576+5G>T

Gene: KDM5B (lysine demethylase 5B; minus strand). Cytogenetic location: 1q32.1.
Variant type: single nucleotide variant.
Coding change: c.576+5G>T on transcript NM_006618.5 (MANE Select); 5 bases into the intron after coding-DNA position 576, G replaced by T.
Molecular consequence: intron variant.
Genome position (GRCh38, 1-based): chr1:202,773,113, C>A on the plus strand (G>T on the coding strand, the complement: KDM5B is on the minus strand). VCF-style: chr1-202773113-C-A. GRCh37 (hg19) VCF-style: chr1-202742241-C-A.
Other names: c.561+5G>T (NM_001399817.1); c.576+5G>T (NM_001347591.2, NM_001314042.2).
Identifiers: ClinVar variation 3371108 (VCV003371108.1).
Genomic context (GRCh38, chr1:202,773,113, plus strand): 5'-CCTGAAAAGACAATGTACCAATAAGTAGTAAGATAAAACAGGTTAAGGCTAGCCCCCAAA[C>A]TTACCCTTAGGCTGTCTCCGGACAGGAATAAGTTGTAGGGGTTGAGAATTCGTTCATAAT-3'